The following is an entry in ClinVar:

ClinVar aggregate classification (germline): Uncertain significance (1 of 4 stars; one submission).

Allele frequency attached by ClinVar (database versions not stated): gnomAD exomes below 0.00001.
gnomAD v4.1: 1 of 1,609,872 alleles (0.000062%); highest among the groups gnomAD compares: Non-Finnish European, 0.000085%; no homozygotes.

Submission:

GeneDx
Classification: Uncertain significance. Last evaluated: 2023-04-13. Review status: criteria provided, single submitter. Criteria: GeneDx Variant Classification Process June 2021. Collection method: clinical testing. Allele origin: germline. Affected: yes.
Comment: Not observed at significant frequency in large population cohorts (gnomAD); In silico analysis supports that this missense variant has a deleterious effect on protein structure/function; Has not been previously published as pathogenic or benign to our knowledge

NM_001170629.2(CHD8):c.1636C>T (p.Arg546Cys)

Gene: CHD8 (chromodomain helicase DNA binding protein 8; minus strand). Cytogenetic location: 14q11.2.
Variant type: single nucleotide variant.
Coding change: c.1636C>T on transcript NM_001170629.2 (MANE Select); coding-DNA position 1636, C replaced by T.
Protein change: p.Arg546Cys; replaces arginine 546 with cysteine.
Molecular consequence: missense variant.
Genome position (GRCh38, 1-based): chr14:21,426,208, G>A on the plus strand (C>T on the coding strand, the complement: CHD8 is on the minus strand). VCF-style: chr14-21426208-G-A. GRCh37 (hg19) VCF-style: chr14-21894367-G-A.
Other names: c.799C>T, p.Arg267Cys (NM_020920.4); short protein forms R267C, R546C.
Identifiers: ClinVar variation 2662719 (VCV002662719.1), dbSNP rs2501994381, ClinGen allele CA388881743.